The following is an entry in ClinVar:

NM_003322.6(TULP1):c.1199G>C (p.Arg400Pro)

Gene: TULP1 (TUB like protein 1; minus strand). Cytogenetic location: 6p21.31.
Variant type: single nucleotide variant.
Coding change: c.1199G>C on transcript NM_003322.6 (MANE Select); coding-DNA position 1199, G replaced by C.
Protein change: p.Arg400Pro; replaces arginine 400 with proline.
Molecular consequence: missense variant.
Genome position (GRCh38, 1-based): chr6:35,503,762, C>G on the plus strand (G>C on the coding strand, the complement: TULP1 is on the minus strand). VCF-style: chr6-35503762-C-G. GRCh37 (hg19) VCF-style: chr6-35471539-C-G.
Other names: c.1040G>C, p.Arg347Pro (NM_001289395.2); short protein forms R347P, R400P.
Identifiers: ClinVar variation 4847480 (VCV004847480.1).

ClinVar aggregate classification (germline): Uncertain significance (1 of 4 stars; one submission).

Submission:

Women's Health and Genetics/Laboratory Corporation of America, LabCorp
Classification: Uncertain significance. Last evaluated: 2026-03-04. Review status: criteria provided, single submitter. Criteria: LabCorp Variant Classification Summary - May 2015. Collection method: clinical testing. Allele origin: germline.
Comment: Variant summary: TULP1 c.1199G>C (p.Arg400Pro) results in a non-conservative amino acid change in the encoded protein sequence. Algorithms developed to predict the effect of missense changes on protein structure and function all suggest that this variant is likely to be disruptive. The variant was absent in 249630 control chromosomes. To our knowledge, no occurrence of c.1199G>C in individuals affected with TULP1-related conditions and no experimental evidence demonstrating its impact on protein function have been reported. Different variants affecting the same codon have been classified as pathogenic by our lab (c.1198C>T, p.Arg400Trp and c.1199G>A, p.Arg400Gln), supporting the critical relevance of codon 400 to TULP1 protein function. No submitters have cited clinical-significance assessments for this variant to ClinVar. Based on the evidence outlined above, the variant was classified as VUS-possibly pathogenic.